The following is an entry in ClinVar:

NM_000051.4(ATM):c.5078A>T (p.Asp1693Val)

Gene: ATM (ATM serine/threonine kinase; plus strand). Cytogenetic location: 11q22.3.
Variant type: single nucleotide variant.
Coding change: c.5078A>T on transcript NM_000051.4 (MANE Select); coding-DNA position 5078, A replaced by T.
Protein change: p.Asp1693Val; replaces aspartic acid 1693 with valine.
Molecular consequence: missense variant.
Genome position (GRCh38, 1-based): chr11:108,299,786, A>T. VCF-style: chr11-108299786-A-T. GRCh37 (hg19) VCF-style: chr11-108170513-A-T.
Other names: c.5078A>T, p.Asp1693Val (NM_001351834.2); short protein forms D1693V.
Identifiers: ClinVar variation 662636 (VCV000662636.7), dbSNP rs1591702387, ClinGen allele CA382540610.

ClinVar aggregate classification (germline): Uncertain significance. Review status: criteria provided, multiple submitters, no conflicts (2 of 4 stars). 3 submissions from 3 submitters: Uncertain significance (3). Last evaluated 2024-03-06.

Conditions:
Ataxia-telangiectasia syndrome (AT). Also called: Ataxia-telangiectasia, complementation group D; AT, COMPLEMENTATION GROUP C; Ataxia telangiectasia (A-T); Cerebello-oculocutaneous telangiectasia; Immunodeficiency with ataxia telangiectasia; ATAXIA-TELANGIECTASIA, COMPLEMENTATION GROUP A. Identifiers: Orphanet 100, MedGen C0004135, MONDO:0008840, OMIM 208900.
Hereditary cancer-predisposing syndrome. Also called: Neoplastic Syndromes, Hereditary; Hereditary neoplastic syndrome; Tumor predisposition; Hereditary Cancer Syndrome. Identifiers: Orphanet 140162, MedGen C0027672, MeSH D009386, MONDO:0015356.

Submissions (3):

Color Diagnostics, LLC DBA Color Health
Classification: Uncertain significance for Hereditary cancer-predisposing syndrome. Last evaluated: 2024-03-06. Review status: criteria provided, single submitter. Criteria: ACMG Guidelines, 2015. Collection method: clinical testing. Allele origin: germline.
Comment: This missense variant replaces aspartic acid with valine at codon 1693 of the ATM protein. Computational prediction suggests that this variant may not impact protein structure and function (internally defined REVEL score threshold <= 0.5, PMID: 27666373). To our knowledge, functional studies have not been reported for this variant. This variant has not been reported in individuals affected with hereditary cancer in the literature. This variant has not been identified in the general population by the Genome Aggregation Database (gnomAD). The available evidence is insufficient to determine the role of this variant in disease conclusively. Therefore, this variant is classified as a Variant of Uncertain Significance.

Ambry Genetics
Classification: Uncertain significance for Hereditary cancer-predisposing syndrome. Last evaluated: 2023-04-28. Review status: criteria provided, single submitter. Criteria: Ambry Variant Classification Scheme 2023. Collection method: clinical testing. Allele origin: germline.
Comment: The p.D1693V variant (also known as c.5078A>T), located in coding exon 33 of the ATM gene, results from an A to T substitution at nucleotide position 5078. The aspartic acid at codon 1693 is replaced by valine, an amino acid with highly dissimilar properties. This amino acid position is conserved. In addition, this alteration is predicted to be tolerated by in silico analysis. Since supporting evidence is limited at this time, the clinical significance of this alteration remains unclear.

Labcorp Genetics (formerly Invitae), Labcorp
Classification: Uncertain significance for Ataxia-telangiectasia syndrome. Last evaluated: 2021-09-01. Review status: criteria provided, single submitter. Criteria: Invitae Variant Classification Sherloc (09022015). Collection method: clinical testing. Allele origin: germline.
Comment: This sequence change replaces aspartic acid with valine at codon 1693 of the ATM protein (p.Asp1693Val). The aspartic acid residue is moderately conserved and there is a large physicochemical difference between aspartic acid and valine. This variant is not present in population databases (ExAC no frequency). This variant has not been reported in the literature in individuals affected with ATM-related conditions. Algorithms developed to predict the effect of missense changes on protein structure and function are either unavailable or do not agree on the potential impact of this missense change (SIFT: "Deleterious"; PolyPhen-2: "Benign"; Align-GVGD: "Class C0"). In summary, the available evidence is currently insufficient to determine the role of this variant in disease. Therefore, it has been classified as a Variant of Uncertain Significance.